The following is an entry in ClinVar:

NM_025137.4(SPG11):c.501C>G (p.Phe167Leu)

Gene: SPG11 (SPG11 vesicle trafficking associated, spatacsin; minus strand). Cytogenetic location: 15q21.1.
Variant type: single nucleotide variant.
Coding change: c.501C>G on transcript NM_025137.4 (MANE Select); coding-DNA position 501, C replaced by G.
Protein change: p.Phe167Leu; replaces phenylalanine 167 with leucine.
Molecular consequence: missense variant.
Genome position (GRCh38, 1-based): chr15:44,659,245, G>C on the plus strand (C>G on the coding strand, the complement: SPG11 is on the minus strand). VCF-style: chr15-44659245-G-C. GRCh37 (hg19) VCF-style: chr15-44951443-G-C.
Other names: c.501C>G, p.Phe167Leu (NM_001160227.2); short protein forms F167L.
Identifiers: ClinVar variation 534889 (VCV000534889.11), dbSNP rs771462279, ClinGen allele CA7535808.

ClinVar aggregate classification (germline): Uncertain significance. Review status: criteria provided, multiple submitters, no conflicts (2 of 4 stars). 2 submissions from 2 submitters: Uncertain significance (2). Last evaluated 2024-04-05.

Conditions:
Hereditary spastic paraplegia 11. Also called: Nakamura Osame syndrome; Autosomal recessive hereditary spastic paraplegia, mental impairment, and thin corpus callosum; Spastic paraplegia, mental retardation and thin corpus callosum; SPASTIC PARAPLEGIA, AUTOSOMAL RECESSIVE, COMPLICATED, WITH THIN CORPUS CALLOSUM; SPASTIC PARAPLEGIA, AUTOSOMAL RECESSIVE, WITH MENTAL IMPAIRMENT AND THIN CORPUS CALLOSUM; Spastic Paraplegia 11. Identifiers: Orphanet 2822, MedGen C1858479, MONDO:0011445, OMIM 604360.

Allele frequency attached by ClinVar (database versions not stated): ExAC 0.00002.
gnomAD v4.1: 15 of 1,614,102 alleles (0.00093%); highest among the groups gnomAD compares: East Asian, 0.0022%; no homozygotes.

Submissions (2):

GeneDx
Classification: Uncertain significance. Last evaluated: 2024-04-05. Review status: criteria provided, single submitter. Criteria: GeneDx Variant Classification Process June 2021. Collection method: clinical testing. Allele origin: germline. Affected: yes.
Comment: Not observed at significant frequency in large population cohorts (gnomAD); In silico analysis indicates that this missense variant does not alter protein structure/function; Has not been previously published as pathogenic or benign to our knowledge; This variant is associated with the following publications: (PMID: 26556829)

Labcorp Genetics (formerly Invitae), Labcorp
Classification: Uncertain significance for Hereditary spastic paraplegia 11. Last evaluated: 2023-12-31. Review status: criteria provided, single submitter. Criteria: Invitae Variant Classification Sherloc (09022015). Collection method: clinical testing. Allele origin: germline.
Comment: This sequence change replaces phenylalanine, which is neutral and non-polar, with leucine, which is neutral and non-polar, at codon 167 of the SPG11 protein (p.Phe167Leu). This variant is present in population databases (rs771462279, gnomAD 0.004%). This variant has not been reported in the literature in individuals affected with SPG11-related conditions. ClinVar contains an entry for this variant (Variation ID: 534889). Algorithms developed to predict the effect of missense changes on protein structure and function output the following: SIFT: "Not Available"; PolyPhen-2: "Benign"; Align-GVGD: "Not Available". The leucine amino acid residue is found in multiple mammalian species, which suggests that this missense change does not adversely affect protein function. In summary, the available evidence is currently insufficient to determine the role of this variant in disease. Therefore, it has been classified as a Variant of Uncertain Significance.